The following is an entry in ClinVar:

ClinVar aggregate classification (germline): Uncertain significance (1 of 4 stars; one submission).

Conditions:
Granulomatous disease, chronic, autosomal recessive, cytochrome b-negative. Also called: CYBA DEFICIENCY; CGD DUE TO DEFICIENCY OF THE ALPHA SUBUNIT OF CYTOCHROME b; CGD, AUTOSOMAL RECESSIVE CYTOCHROME b-NEGATIVE; GRANULOMATOUS DISEASE, CHRONIC, AUTOSOMAL RECESSIVE, 4; Chronic granulomatous disease, autosomal, due to deficiency of CYBA. Identifiers: Orphanet 379, MedGen C1856255, MONDO:0009308, OMIM 233690.

Allele frequency attached by ClinVar (database versions not stated): gnomAD exomes below 0.00001.
gnomAD v4.1: 1 of 1,559,876 alleles (0.000064%); highest among the groups gnomAD compares: Non-Finnish European, 0.000087%; no homozygotes.

Submission:

Labcorp Genetics (formerly Invitae), Labcorp
Classification: Uncertain significance for Granulomatous disease, chronic, autosomal recessive, cytochrome b-negative. Last evaluated: 2021-09-01. Review status: criteria provided, single submitter. Criteria: Invitae Variant Classification Sherloc (09022015). Collection method: clinical testing. Allele origin: germline.
Comment: This sequence change replaces alanine with valine at codon 112 of the CYBA protein (p.Ala112Val). The alanine residue is moderately conserved and there is a small physicochemical difference between alanine and valine. This variant is not present in population databases (ExAC no frequency). This variant has not been reported in the literature in individuals affected with CYBA-related conditions. Algorithms developed to predict the effect of missense changes on protein structure and function output the following: SIFT: "Tolerated"; PolyPhen-2: "Benign"; Align-GVGD: "Class C0". The valine amino acid residue is found in multiple mammalian species, which suggests that this missense change does not adversely affect protein function. In summary, the available evidence is currently insufficient to determine the role of this variant in disease. Therefore, it has been classified as a Variant of Uncertain Significance.

NM_000101.4(CYBA):c.335C>T (p.Ala112Val)

Gene: CYBA (cytochrome b-245 alpha chain; minus strand). Cytogenetic location: 16q24.2.
Variant type: single nucleotide variant.
Coding change: c.335C>T on transcript NM_000101.4 (MANE Select); coding-DNA position 335, C replaced by T.
Protein change: p.Ala112Val; replaces alanine 112 with valine.
Molecular consequence: missense variant.
Genome position (GRCh38, 1-based): chr16:88,646,150, G>A on the plus strand (C>T on the coding strand, the complement: CYBA is on the minus strand). VCF-style: chr16-88646150-G-A. GRCh37 (hg19) VCF-style: chr16-88712558-G-A.
Other names: short protein forms A112V.
Identifiers: ClinVar variation 1467263 (VCV001467263.5), dbSNP rs1164107269, ClinGen allele CA397063011.